The following is an entry in ClinVar:

NM_000256.3(MYBPC3):c.2220G>C (p.Gly740=)

Gene: MYBPC3 (myosin binding protein C3; minus strand). Cytogenetic location: 11p11.2.
Variant type: single nucleotide variant.
Coding change: c.2220G>C on transcript NM_000256.3 (MANE Select); coding-DNA position 2220, G replaced by C.
Protein change: p.Gly740=; no amino-acid change (glycine 740 retained).
Molecular consequence: synonymous variant.
Genome position (GRCh38, 1-based): chr11:47,338,608, C>G on the plus strand (G>C on the coding strand, the complement: MYBPC3 is on the minus strand). VCF-style: chr11-47338608-C-G. GRCh37 (hg19) VCF-style: chr11-47360159-C-G.
Other names: c.2220G>C, p.Gly740= (LRG_386t1).
Identifiers: ClinVar variation 525132 (VCV000525132.14), dbSNP rs1451991531, ClinGen allele CA474217027.

ClinVar aggregate classification (germline): Likely benign. Review status: criteria provided, multiple submitters, no conflicts (2 of 4 stars). 4 submissions from 4 submitters: Likely benign (4). Last evaluated 2026-06-01.

Conditions:
Cardiovascular phenotype. Identifiers: MedGen CN230736.
Cardiomyopathy (CMYO). Also called: Cardiomyopathies. Identifiers: Orphanet 167848, MedGen C0878544, MONDO:0004994, HP:0001638. Inheritance: Various modes of inheritance.
Hypertrophic cardiomyopathy. Also called: HYPERTROPHIC MYOCARDIOPATHY. Identifiers: Orphanet 217569, MedGen C0007194, MeSH D002312, MONDO:0005045, HP:0001639.

Allele frequency attached by ClinVar (database versions not stated): gnomAD 0.00001; gnomAD exomes 0.00002; TOPMed below 0.00001.
gnomAD v4.1: 16 of 1,613,856 alleles (0.00099%); highest among the groups gnomAD compares: Non-Finnish European, 0.0014%; no homozygotes.

Submissions (4):

Ambry Genetics
Classification: Likely benign for Cardiovascular phenotype. Last evaluated: 2026-06-01. Review status: criteria provided, single submitter. Criteria: Ambry Variant Classification Scheme 2023. Collection method: clinical testing. Allele origin: germline.

Labcorp Genetics (formerly Invitae), Labcorp
Classification: Likely benign for Hypertrophic cardiomyopathy. Last evaluated: 2025-12-01. Review status: criteria provided, single submitter. Criteria: Invitae Variant Classification Sherloc (09022015). Collection method: clinical testing. Allele origin: germline.

All of Us Research Program, National Institutes of Health
Classification: Likely benign for Hypertrophic cardiomyopathy. Last evaluated: 2024-09-23. Review status: criteria provided, single submitter. Criteria: ACMG Guidelines, 2015. Collection method: clinical testing. Allele origin: germline. Inheritance: Autosomal dominant inheritance. Observed: 1 variant allele, 1 heterozygote.
Comment: This study involves interpretation of variants in research participants for the purpose of population health screening. Participant phenotype was not available at the time of variant classification. Additional details can be found in publication PMID: 35346344, PMCID: PMC8962531

Color Diagnostics, LLC DBA Color Health
Classification: Likely benign for Cardiomyopathy. Last evaluated: 2019-01-07. Review status: criteria provided, single submitter. Criteria: ACMG Guidelines, 2015. Collection method: clinical testing. Allele origin: germline.